The following is an entry in ClinVar:

ClinVar aggregate classification (germline): Uncertain significance (1 of 4 stars; one submission).

Conditions:
DENND5B-related neurodevelopmental disorder.

Submission:

Clinical Genomics Laboratory, Washington University in St. Louis
Classification: Uncertain significance for DENND5B-related neurodevelopmental disorder. Last evaluated: 2024-07-31. Review status: criteria provided, single submitter. Criteria: ACMG Guidelines, 2015. Collection method: clinical testing. Allele origin: germline.
Comment: The DENND5B c.2101A>G (p.Arg701Gly) variant, to our knowledge, has not been reported in the medical literature and is absent from the general population (gnomAD v.2.1.1), indicating it is not a common variant. Computational predictors suggest that the variant does not impact DENND5B function. Due to limited information, the clinical significance of this variant is uncertain.

NM_144973.4(DENND5B):c.2101A>G (p.Arg701Gly)

Gene: DENND5B (DENN domain containing 5B; minus strand). Cytogenetic location: 12p11.21.
Variant type: single nucleotide variant.
Coding change: c.2101A>G on transcript NM_144973.4 (MANE Select); coding-DNA position 2101, A replaced by G.
Protein change: p.Arg701Gly; replaces arginine 701 with glycine.
Molecular consequence: missense variant.
Genome position (GRCh38, 1-based): chr12:31,433,160, T>C on the plus strand (A>G on the coding strand, the complement: DENND5B is on the minus strand). VCF-style: chr12-31433160-T-C. GRCh37 (hg19) VCF-style: chr12-31586094-T-C.
Other names: c.2206A>G, p.Arg736Gly (NM_001308339.2); c.2167A>G, p.Arg723Gly (NM_001366890.1); short protein forms R701G, R723G, R736G.
Identifiers: ClinVar variation 3600367 (VCV003600367.1).
Genomic context (GRCh38, chr12:31,433,160, plus strand): 5'-TAAGCCTAGTTCATGGCGCTTGCTGTGAGGCACCCCAGGAAGGTAGACCACATACCTCCC[T>C]CAAGTCGTTGTCCAGCCCAACATGCTCAGAATGCTGGCGAAGGCGTTCTTTCCTGCGCTG-3'
Protein context (NP_659410.3, residues 691-711): SEHVGLDNDL[Arg701Gly]EKYMQEARSL